The following is an entry in ClinVar:

NM_001077365.2(POMT1):c.2022C>G (p.Ser674Arg)

Gene: POMT1 (protein O-mannosyltransferase 1; plus strand). Cytogenetic location: 9q34.13.
Variant type: single nucleotide variant.
Coding change: c.2022C>G on transcript NM_001077365.2 (MANE Select); coding-DNA position 2022, C replaced by G.
Protein change: p.Ser674Arg; replaces serine 674 with arginine.
Molecular consequence: missense variant. On other transcripts: non-coding transcript variant (10).
Genome position (GRCh38, 1-based): chr9:131,522,950, C>G. VCF-style: chr9-131522950-C-G. GRCh37 (hg19) VCF-style: chr9-134398337-C-G.
Other names: c.2088C>G (NM_007171.3); c.1860C>G, p.Ser620Arg (NM_001077366.2, NM_001353194.2); c.2022C>G, p.Ser674Arg (NM_001136113.2); c.1671C>G, p.Ser557Arg (NM_001136114.2, NM_001353195.2, NM_001374691.1 and 2 more transcripts); c.2088C>G, p.Ser696Arg (NM_001353193.2, NM_007171.4); c.1932C>G, p.Ser644Arg (NM_001353196.2); c.1926C>G, p.Ser642Arg (NM_001353197.2, NM_001353198.2); c.1737C>G, p.Ser579Arg (NM_001353199.2); and 5 more; short protein forms S522R, S601R, S297R, S544R, S579R, S674R, S620R, S644R.
Identifiers: ClinVar variation 2039569 (VCV002039569.6), dbSNP rs768264284, ClinGen allele CA5293921.

ClinVar aggregate classification (germline): Uncertain significance. Review status: criteria provided, multiple submitters, no conflicts (2 of 4 stars). 3 submissions from 3 submitters: Uncertain significance (3). Last evaluated 2023-03-24.

Conditions:
Walker-Warburg congenital muscular dystrophy. Also called: Muscular dystrophy-dystroglycanopathy, type A; Walker-Warburg syndrome. Identifiers: Orphanet 899, MedGen C0265221, MONDO:0000171.
Muscular dystrophy-dystroglycanopathy (congenital with impaired intellectual development), type B, 1. Also called: MUSCULAR DYSTROPHY, CONGENITAL, POMT1-RELATED; Muscular dystrophy-dystroglycanopathy (congenital with intellectual disability), type B1. Identifiers: MedGen C5436962, MONDO:0013159, OMIM 613155.
Autosomal recessive limb-girdle muscular dystrophy type 2K. Also called: MUSCULAR DYSTROPHY-DYSTROGLYCANOPATHY (LIMB-GIRDLE), TYPE C, 1; MUSCULAR DYSTROPHY, LIMB-GIRDLE, TYPE 2K. Identifiers: Orphanet 86812, MedGen C1836373, MONDO:0012248, OMIM 609308.
Inborn genetic diseases. Identifiers: MedGen C0950123, MeSH D030342.

Allele frequency attached by ClinVar (database versions not stated): TOPMed 0.00002; ExAC 0.00004; gnomAD 0.00003.
gnomAD v4.1: 33 of 1,595,622 alleles (0.0021%); highest among the groups gnomAD compares: Non-Finnish European, 0.0026%; no homozygotes.

Submissions (3):

Ambry Genetics
Classification: Uncertain significance for Inborn genetic diseases. Last evaluated: 2023-03-24. Review status: criteria provided, single submitter. Criteria: Ambry Variant Classification Scheme 2023. Collection method: clinical testing. Allele origin: germline.

Labcorp Genetics (formerly Invitae), Labcorp
Classification: Uncertain significance for Muscular dystrophy-dystroglycanopathy (congenital with impaired intellectual development), type B, 1; Walker-Warburg congenital muscular dystrophy; Autosomal recessive limb-girdle muscular dystrophy type 2K. Last evaluated: 2022-04-13. Review status: criteria provided, single submitter. Criteria: Invitae Variant Classification Sherloc (09022015). Collection method: clinical testing. Allele origin: germline.
Comment: This sequence change replaces serine, which is neutral and polar, with arginine, which is basic and polar, at codon 696 of the POMT1 protein (p.Ser696Arg). This variant is present in population databases (rs768264284, gnomAD 0.007%). This variant has not been reported in the literature in individuals affected with POMT1-related conditions. Algorithms developed to predict the effect of missense changes on protein structure and function (SIFT, PolyPhen-2, Align-GVGD) all suggest that this variant is likely to be tolerated. In summary, the available evidence is currently insufficient to determine the role of this variant in disease. Therefore, it has been classified as a Variant of Uncertain Significance.

Revvity Omics, Revvity
Classification: Uncertain significance. Last evaluated: 2019-05-12. Review status: criteria provided, single submitter. Criteria: ACMG Guidelines, 2015. Collection method: clinical testing. Allele origin: germline.